The following is an entry in ClinVar:

ClinVar aggregate classification (germline): Uncertain significance (1 of 4 stars; one submission).

Submission:

Labcorp Genetics (formerly Invitae), Labcorp
Classification: Uncertain significance. Last evaluated: 2026-01-12. Review status: criteria provided, single submitter. Criteria: Invitae Variant Classification Sherloc (09022015). Collection method: clinical testing. Allele origin: germline.
Comment: This sequence change replaces alanine, which is neutral and non-polar, with valine, which is neutral and non-polar, at codon 605 of the RNF43 protein (p.Ala605Val). This variant is not present in population databases (gnomAD no frequency). This variant has not been reported in the literature in individuals affected with RNF43-related conditions. ClinVar contains an entry for this variant (Variation ID: 3618320). An algorithm developed to predict the effect of missense changes on protein structure and function outputs the following: PolyPhen-2: "Benign". The valine amino acid residue is found in multiple mammalian species, which suggests that this missense change does not adversely affect protein function. In summary, the available evidence is currently insufficient to determine the role of this variant in disease. Therefore, it has been classified as a Variant of Uncertain Significance.

NM_017763.6(RNF43):c.1814C>T (p.Ala605Val)

Gene: RNF43 (ring finger protein 43; minus strand). Cytogenetic location: 17q22.
Variant type: single nucleotide variant.
Coding change: c.1814C>T on transcript NM_017763.6 (MANE Select); coding-DNA position 1814, C replaced by T.
Protein change: p.Ala605Val; replaces alanine 605 with valine.
Molecular consequence: missense variant.
Genome position (GRCh38, 1-based): chr17:58,357,962, G>A on the plus strand (C>T on the coding strand, the complement: RNF43 is on the minus strand). VCF-style: chr17-58357962-G-A. GRCh37 (hg19) VCF-style: chr17-56435323-G-A.
Other names: c.1814C>T, p.Ala605Val (NM_001305544.3); c.1433C>T, p.Ala478Val (NM_001305545.2); short protein forms A478V, A605V.
Identifiers: ClinVar variation 3618320 (VCV003618320.2).